The following is an entry in ClinVar:

ClinVar aggregate classification (germline): Likely benign. Review status: criteria provided, single submitter (1 of 4 stars). 2 submissions from 2 submitters: Likely benign (1). 1 of the submissions does not count toward it. Last evaluated 2019-12-31.

Conditions:
TNIK-related disorder. Also called: TNIK-related condition.

Allele frequency attached by ClinVar (database versions not stated): gnomAD exomes 0.00011; ExAC 0.00028; ESP Exome Variant Server 0.00040; gnomAD 0.00040 and 0.00043; TOPMed 0.00045.
gnomAD v4.1: 154 of 1,574,624 alleles (0.0098%); highest among the groups gnomAD compares: African/African-American, 0.14%; no homozygotes.

Submissions (2):

Labcorp Genetics (formerly Invitae), Labcorp
Classification: Likely benign. Last evaluated: 2019-12-31. Review status: criteria provided, single submitter. Criteria: Invitae Variant Classification Sherloc (09022015). Collection method: clinical testing. Allele origin: germline.

PreventionGenetics, part of Exact Sciences
Classification: Likely benign for TNIK-related condition. Last evaluated: 2019-11-25. Review status: no assertion criteria provided. Collection method: clinical testing. Allele origin: germline. Not counted in ClinVar's aggregate classification.
Comment: This variant is classified as likely benign based on ACMG/AMP sequence variant interpretation guidelines (Richards et al. 2015 PMID: 25741868, with internal and published modifications).

NM_015028.4(TNIK):c.1167C>T (p.Ala389=)

Genes: TNIK (TRAF2 and NCK interacting kinase; minus strand), LOC123230410 (Sharpr-MPRA regulatory region 1564; plus strand). Cytogenetic location: 3q26.2.
Variant type: single nucleotide variant.
Coding change: c.1167C>T on transcript NM_015028.4 (MANE Select); coding-DNA position 1167, C replaced by T.
Protein change: p.Ala389=; no amino-acid change (alanine 389 retained).
Molecular consequence: synonymous variant.
Genome position (GRCh38, 1-based): chr3:171,157,514, G>A on the plus strand (C>T on the coding strand, the complement: TNIK is on the minus strand). VCF-style: chr3-171157514-G-A. GRCh37 (hg19) VCF-style: chr3-170875303-G-A.
Other names: c.1167C>T, p.Ala389= (NM_001161560.3, NM_001161561.3, NM_001161562.3 and 4 more transcripts).
Identifiers: ClinVar variation 741952 (VCV000741952.6), dbSNP rs367602557, ClinGen allele CA2703584.